The following is an entry in ClinVar:

NM_006517.5(SLC16A2):c.407dup (p.Asn136fs)

Gene: SLC16A2 (solute carrier family 16 member 2; plus strand). Cytogenetic location: Xq13.2.
Variant type: Duplication.
Coding change: c.407dup on transcript NM_006517.5 (MANE Select); coding-DNA position 407, one base duplicated (A; older notation c.407dupA).
Protein change: p.Asn136fs; shifts the reading frame from asparagine 136.
Molecular consequence: frameshift variant.
Genome position (GRCh38, 1-based): chrX:74,422,044, A duplicated; the last of 7 consecutive A bases (chrX:74,422,038-74,422,044); duplicating any one gives the same sequence. VCF-style (leftmost placement, unchanged base first): chrX-74422037-G-GA. GRCh37 (hg19) VCF-style: chrX-73641872-G-GA.
Other names: c.407dupA (NM_006517.5); c.407dup (NM_006517.4); short protein forms N136fs.
Identifiers: ClinVar variation 694739 (VCV000694739.12), dbSNP rs1602099961, ClinGen allele CA517464587.

ClinVar aggregate classification (germline): Pathogenic/Likely pathogenic. Review status: criteria provided, multiple submitters, no conflicts (2 of 4 stars). 4 submissions from 4 submitters: Pathogenic (2); Likely pathogenic (2). Last evaluated 2024-03-19.

Conditions:
Allan-Herndon-Dudley syndrome (AHDS). Also called: ALLAN-HERNDON SYNDROME; T3 RESISTANCE; TRIIODOTHYRONINE RESISTANCE; Passos-Bueno syndrome; MENTAL RETARDATION AND MUSCULAR ATROPHY. Identifiers: Orphanet 59, MedGen C0795889, MONDO:0010354, OMIM 300523.
Spastic paraplegia. Identifiers: MedGen C0037772, HP:0001258.

Submissions (4):

GeneDx
Classification: Pathogenic. Last evaluated: 2024-03-19. Review status: criteria provided, single submitter. Criteria: GeneDx Variant Classification Process June 2021. Collection method: clinical testing. Allele origin: germline. Affected: yes.
Comment: Frameshift variant predicted to result in protein truncation or nonsense mediated decay in a gene for which loss of function is a known mechanism of disease; Not observed at significant frequency in large population cohorts (gnomAD); Also described as c.629insA; This variant is associated with the following publications: (PMID: 25527620, 33386376, 10854107, 32559475, 33860439, 20083155, 38454300, Kulkarni2022[casereport], 18398436)

Labcorp Genetics (formerly Invitae), Labcorp
Classification: Pathogenic for Spastic paraplegia. Last evaluated: 2022-11-08. Review status: criteria provided, single submitter. Criteria: Invitae Variant Classification Sherloc (09022015). Collection method: clinical testing. Allele origin: germline.
Comment: ClinVar contains an entry for this variant (Variation ID: 694739). For these reasons, this variant has been classified as Pathogenic. This premature translational stop signal has been observed in individual(s) with Allan-Herndon-Dudley syndrome (PMID: 18398436). This sequence change creates a premature translational stop signal (p.Asn136Lysfs*31) in the SLC16A2 gene. It is expected to result in an absent or disrupted protein product. Loss-of-function variants in SLC16A2 are known to be pathogenic (PMID: 20083155, 25527620). This variant is not present in population databases (gnomAD no frequency).

Diagnostics Services (NGS), CSIR - Centre For Cellular And Molecular Biology
Classification: Likely pathogenic for Allan-Herndon-Dudley syndrome. Last evaluated: 2019-08-29. Review status: criteria provided, single submitter. Criteria: ACMG Guidelines, 2015. Collection method: clinical testing. Allele origin: germline. Inheritance: X-linked inheritance. Affected: yes. Observed: 1 hemizygote.
Comment: The c.407dupA variant is not present in publicly available databases like 1000 Genomes, Exome Variant Server (EVS), Exome Aggregation Consortium (ExAC), Genome Aggregation Database (gnomAD) and dbSNP. The variant is also not present in our in-house exome database. In-silico pathogenicity prediction programs like Mutation Taster2, CADD, InterVar etc. predicted this variant as likely disease causing. A frame shift variant with a single base insertion (G) in the same position was earlier reported in Human Genome Mutation Database (CI112393) [Filho et al. Arq Bras Endocrinol Metabol. 2011]. As per ACMG guidelines the variant has been classified as likely pathogenic.

Mendelics
Classification: Likely pathogenic for Allan-Herndon-Dudley syndrome. Last evaluated: 2019-05-28. Review status: criteria provided, single submitter. Criteria: Mendelics Assertion Criteria 2017. Collection method: clinical testing. Allele origin: unknown.

Literature cited by the submitters: PubMed 18398436 (cited by Labcorp Genetics (formerly Invitae), Labcorp); PubMed 20083155 (cited by Labcorp Genetics (formerly Invitae), Labcorp); PubMed 25527620 (cited by Labcorp Genetics (formerly Invitae), Labcorp).